The following is an entry in ClinVar:

NM_001457.4(FLNB):c.4282G>A (p.Gly1428Ser)

Gene: FLNB (filamin B; plus strand). Cytogenetic location: 3p14.3.
Variant type: single nucleotide variant.
Coding change: c.4282G>A on transcript NM_001457.4 (MANE Select); coding-DNA position 4282, G replaced by A.
Protein change: p.Gly1428Ser; replaces glycine 1428 with serine.
Molecular consequence: missense variant.
Genome position (GRCh38, 1-based): chr3:58,130,800, G>A. VCF-style: chr3-58130800-G-A. GRCh37 (hg19) VCF-style: chr3-58116527-G-A.
Other names: c.4282G>A, p.Gly1428Ser (NM_001164317.2, NM_001164318.2, NM_001164319.2); c.4282G>A (NM_001457.3); short protein forms G1428S.
Identifiers: ClinVar variation 2965222 (VCV002965222.4), dbSNP rs747673269, ClinGen allele CA2468710.

ClinVar aggregate classification (germline): Uncertain significance. Review status: criteria provided, multiple submitters, no conflicts (2 of 4 stars). 2 submissions from 2 submitters: Uncertain significance (2). Last evaluated 2025-12-11.

Conditions:
Inborn genetic diseases. Identifiers: MedGen C0950123, MeSH D030342.

Allele frequency attached by ClinVar (database versions not stated): gnomAD exomes 0.00001; ExAC 0.00002; TOPMed below 0.00001.
gnomAD v4.1: 15 of 1,613,878 alleles (0.00093%); highest among the groups gnomAD compares: South Asian, 0.0055%; no homozygotes.

Submissions (2):

Labcorp Genetics (formerly Invitae), Labcorp
Classification: Uncertain significance. Last evaluated: 2025-12-11. Review status: criteria provided, single submitter. Criteria: Invitae Variant Classification Sherloc (09022015). Collection method: clinical testing. Allele origin: germline.
Comment: This sequence change replaces glycine, which is neutral and non-polar, with serine, which is neutral and polar, at codon 1428 of the FLNB protein (p.Gly1428Ser). This variant is present in population databases (rs747673269, gnomAD 0.007%). This variant has not been reported in the literature in individuals affected with FLNB-related conditions. ClinVar contains an entry for this variant (Variation ID: 2965222). Invitae Evidence Modeling of protein sequence and biophysical properties (such as structural, functional, and spatial information, amino acid conservation, physicochemical variation, residue mobility, and thermodynamic stability) has been performed for this missense variant. However, the output from this modeling did not meet the statistical confidence thresholds required to predict the impact of this variant on FLNB protein function. In summary, the available evidence is currently insufficient to determine the role of this variant in disease. Therefore, it has been classified as a Variant of Uncertain Significance.

Ambry Genetics
Classification: Uncertain significance for Inborn genetic diseases. Last evaluated: 2025-08-01. Review status: criteria provided, single submitter. Criteria: Ambry Variant Classification Scheme 2023. Collection method: clinical testing. Allele origin: germline.